The following is an entry in ClinVar:

NM_003906.5(MCM3AP):c.137C>T (p.Ser46Phe)

Gene: MCM3AP (minichromosome maintenance complex component 3 associated protein; minus strand). Cytogenetic location: 21q22.3.
Variant type: single nucleotide variant.
Coding change: c.137C>T on transcript NM_003906.5 (MANE Select); coding-DNA position 137, C replaced by T.
Protein change: p.Ser46Phe; replaces serine 46 with phenylalanine.
Molecular consequence: missense variant.
Genome position (GRCh38, 1-based): chr21:46,285,150, G>A on the plus strand (C>T on the coding strand, the complement: MCM3AP is on the minus strand). VCF-style: chr21-46285150-G-A. GRCh37 (hg19) VCF-style: chr21-47705064-G-A.
Other names: c.137C>T (NM_003906.3, NM_003906.4); short protein forms S46F.
Identifiers: ClinVar variation 1503006 (VCV001503006.6), dbSNP rs753743416, ClinGen allele CA10077411.

ClinVar aggregate classification (germline): Uncertain significance. Review status: criteria provided, multiple submitters, no conflicts (2 of 4 stars). 3 submissions from 3 submitters: Uncertain significance (3). Last evaluated 2024-12-09.

Conditions:
Inborn genetic diseases. Identifiers: MedGen C0950123, MeSH D030342.

Allele frequency attached by ClinVar (database versions not stated): gnomAD exomes 0.00005 and 0.00007; ExAC 0.00006; gnomAD 0.00007; TOPMed 0.00019.
gnomAD v4.1: 123 of 1,614,064 alleles (0.0076%); highest among the groups gnomAD compares: Non-Finnish European, 0.009%; 1 homozygote.

Submissions (3):

GeneDx
Classification: Uncertain significance. Last evaluated: 2024-12-09. Review status: criteria provided, single submitter. Criteria: GeneDx Variant Classification Process June 2021. Collection method: clinical testing. Allele origin: germline. Affected: yes.
Comment: Has not been previously published as pathogenic or benign to our knowledge; In silico analysis supports that this missense variant has a deleterious effect on protein structure/function

Ambry Genetics
Classification: Uncertain significance for Inborn genetic diseases. Last evaluated: 2023-04-04. Review status: criteria provided, single submitter. Criteria: Ambry Variant Classification Scheme 2023. Collection method: clinical testing. Allele origin: germline.

Labcorp Genetics (formerly Invitae), Labcorp
Classification: Uncertain significance. Last evaluated: 2022-08-21. Review status: criteria provided, single submitter. Criteria: Invitae Variant Classification Sherloc (09022015). Collection method: clinical testing. Allele origin: germline.
Comment: This sequence change replaces serine, which is neutral and polar, with phenylalanine, which is neutral and non-polar, at codon 46 of the MCM3AP protein (p.Ser46Phe). This variant is present in population databases (rs753743416, gnomAD 0.02%). This variant has not been reported in the literature in individuals affected with MCM3AP-related conditions. ClinVar contains an entry for this variant (Variation ID: 1503006). Algorithms developed to predict the effect of missense changes on protein structure and function are either unavailable or do not agree on the potential impact of this missense change (SIFT: "Deleterious"; PolyPhen-2: "Benign"; Align-GVGD: "Class C0"). In summary, the available evidence is currently insufficient to determine the role of this variant in disease. Therefore, it has been classified as a Variant of Uncertain Significance.